The following is an entry in ClinVar:

NM_002519.3(NPAT):c.3458C>G (p.Thr1153Arg)

Gene: NPAT (nuclear protein, coactivator of histone transcription; minus strand). Cytogenetic location: 11q22.3.
Variant type: single nucleotide variant.
Coding change: c.3458C>G on transcript NM_002519.3 (MANE Select); coding-DNA position 3458, C replaced by G.
Protein change: p.Thr1153Arg; replaces threonine 1153 with arginine.
Molecular consequence: missense variant.
Genome position (GRCh38, 1-based): chr11:108,161,628, G>C on the plus strand (C>G on the coding strand, the complement: NPAT is on the minus strand). VCF-style: chr11-108161628-G-C. GRCh37 (hg19) VCF-style: chr11-108032355-G-C.
Other names: c.3479C>G, p.Thr1160Arg (NM_001321307.1); short protein forms T1153R, T1160R.
Identifiers: ClinVar variation 3222593 (VCV003222593.1), dbSNP rs2496695906, ClinGen allele CA382510769.

ClinVar aggregate classification (germline): Uncertain significance (1 of 4 stars; one submission).

Submission:

Ambry Genetics
Classification: Uncertain significance. Last evaluated: 2023-11-10. Review status: criteria provided, single submitter. Criteria: Ambry Variant Classification Scheme 2023. Collection method: clinical testing. Allele origin: germline.
Comment: The p.T1153R variant (also known as c.3458C>G), located in coding exon 17 of the NPAT gene, results from a C to G substitution at nucleotide position 3458. The threonine at codon 1153 is replaced by arginine, an amino acid with similar properties. This amino acid position is conserved. In addition, this alteration is predicted to be tolerated by in silico analysis. Since supporting evidence is limited at this time, the clinical significance of this alteration remains unclear.